The following is an entry in ClinVar:

NM_017662.5(TRPM6):c.2009+5G>A

Gene: TRPM6 (transient receptor potential cation channel subfamily M member 6; minus strand). Cytogenetic location: 9q21.13.
Variant type: single nucleotide variant.
Coding change: c.2009+5G>A on transcript NM_017662.5 (MANE Select); 5 bases into the intron after coding-DNA position 2009, G replaced by A.
Molecular consequence: intron variant.
Genome position (GRCh38, 1-based): chr9:74,801,893, C>T on the plus strand (G>A on the coding strand, the complement: TRPM6 is on the minus strand). VCF-style: chr9-74801893-C-T. GRCh37 (hg19) VCF-style: chr9-77416809-C-T.
Other names: c.1994+5G>A (NM_001177310.2, NM_001177311.2).
Identifiers: ClinVar variation 2505702 (VCV002505702.1), dbSNP rs762841992, ClinGen allele CA5084687.

ClinVar aggregate classification (germline): Uncertain significance (1 of 4 stars; one submission).

Allele frequency attached by ClinVar (database versions not stated): gnomAD exomes below 0.00001; ExAC 0.00001; gnomAD 0.00001; TOPMed 0.00001.
gnomAD v4.1: 6 of 1,613,970 alleles (0.00037%); highest among the groups gnomAD compares: Non-Finnish European, 0.00042%; no homozygotes.

Submission:

GeneDx
Classification: Uncertain significance. Last evaluated: 2022-12-12. Review status: criteria provided, single submitter. Criteria: GeneDx Variant Classification Process June 2021. Collection method: clinical testing. Allele origin: germline. Affected: yes.
Comment: Not observed at significant frequency in large population cohorts (gnomAD); Has not been previously published as pathogenic or benign to our knowledge; In silico analysis suggests this variant may impact gene splicing. In the absence of RNA/functional studies, the actual effect of this sequence change is unknown.